The following is an entry in ClinVar:

ClinVar aggregate classification (germline): Pathogenic. Review status: criteria provided, multiple submitters, no conflicts (2 of 4 stars). 2 submissions from 2 submitters: Pathogenic (2). Last evaluated 2025-08-26.

Allele frequency attached by ClinVar (database versions not stated): gnomAD exomes below 0.00001; TOPMed below 0.00001.

Submissions (2):

Labcorp Genetics (formerly Invitae), Labcorp
Classification: Pathogenic. Last evaluated: 2025-08-26. Review status: criteria provided, single submitter. Criteria: Invitae Variant Classification Sherloc (09022015). Collection method: clinical testing. Allele origin: germline.
Comment: This sequence change creates a premature translational stop signal (p.His3109Profs*16) in the HSPG2 gene. It is expected to result in an absent or disrupted protein product. Loss-of-function variants in HSPG2 are known to be pathogenic (PMID: 11279527, 16927315, 20542149, 23836246). This variant is not present in population databases (gnomAD no frequency). This premature translational stop signal has been observed in individual(s) with Schwartz-Jampel syndrome (PMID: 16927315). It has also been observed to segregate with disease in related individuals. ClinVar contains an entry for this variant (Variation ID: 2733858). For these reasons, this variant has been classified as Pathogenic.

Dasa
Classification: Pathogenic. Last evaluated: 2025-03-31. Review status: criteria provided, single submitter. Criteria: DASA Assertion Criteria. Collection method: clinical testing. Allele origin: germline.
Comment: NM_005529.7(HSPG2):c.9326del (p.His3109Profs*16) introduces a premature termination codon predicted to result in loss of normal protein function. Loss-of-function is an established mechanism of disease for this gene. This variant has been reported in an affected individual with related phenotype in a genotype context consistent with recessive disease (PMID: 16927315). The variant is present at low frequency in population datasets. Based on the available data, this variant is classified as pathogenic.

Literature cited by the submitters: PubMed 11279527 (cited by Labcorp Genetics (formerly Invitae), Labcorp); PubMed 16927315 (cited by Labcorp Genetics (formerly Invitae), Labcorp and Dasa); PubMed 20542149 (cited by Labcorp Genetics (formerly Invitae), Labcorp); PubMed 23836246 (cited by Labcorp Genetics (formerly Invitae), Labcorp).

NM_005529.7(HSPG2):c.9326del (p.His3109fs)

Gene: HSPG2 (heparan sulfate proteoglycan 2; minus strand). Cytogenetic location: 1p36.12.
Variant type: Deletion.
Coding change: c.9326del on transcript NM_005529.7 (MANE Select); coding-DNA position 9326, one base deleted (A; older notation c.9326delA).
Protein change: p.His3109fs; shifts the reading frame from histidine 3109.
Molecular consequence: frameshift variant.
Genome position (GRCh38, 1-based): chr1:21,841,541, T deleted on the plus strand (A on the coding strand, the reverse complement: HSPG2 is on the minus strand). VCF-style (leftmost placement, unchanged base first): chr1-21841540-GT-G. GRCh37 (hg19) VCF-style: chr1-22168033-GT-G.
Other names: c.9329del, p.His3110fs (NM_001291860.2); short protein forms H3109fs, H3110fs.
Identifiers: ClinVar variation 2733858 (VCV002733858.4), dbSNP rs2098048505, ClinGen allele CA1158133773.